The following is an entry in ClinVar:

NM_001348716.2(KDM6B):c.1146C>A (p.Cys382Ter)

Gene: KDM6B (lysine demethylase 6B; plus strand). Cytogenetic location: 17p13.1.
Variant type: single nucleotide variant.
Coding change: c.1146C>A on transcript NM_001348716.2 (MANE Select); coding-DNA position 1146, C replaced by A.
Protein change: p.Cys382Ter; replaces cysteine 382 with a stop codon.
Molecular consequence: nonsense.
Genome position (GRCh38, 1-based): chr17:7,847,341, C>A. VCF-style: chr17-7847341-C-A. GRCh37 (hg19) VCF-style: chr17-7750659-C-A.
Other names: c.1146C>A, p.Cys382Ter (NM_001080424.2); short protein forms C382*.
Identifiers: ClinVar variation 1098619 (VCV001098619.1), dbSNP rs59062945, ClinGen allele CA397916082.

ClinVar aggregate classification (germline): Pathogenic (1 of 4 stars; one submission).

Conditions:
Neurodevelopmental disorder with coarse facies and mild distal skeletal abnormalities. Also called: STOLERMAN NEURODEVELOPMENTAL SYNDROME. Identifiers: MedGen C5193134, MONDO:0032790, OMIM 618505.

Submission:

New York Genome Center
Classification: Pathogenic for Neurodevelopmental disorder with coarse facies and mild distal skeletal abnormalities. Last evaluated: 2020-07-09. Review status: criteria provided, single submitter. Criteria: NYGC Assertion Criteria 2020. Collection method: clinical testing. Allele origin: de novo. Observed: 1 heterozygote. Study: CSER-NYCKidSeq.
Comment: The de novo heterozygous p.Cys382Ter variant identified in the KDM6B gene creates a premature translation termination codon and is predicted to cause loss of normal protein function either through protein truncation or nonsense-mediated mRNA decay. This stop-gained variant is located in exon 10 (of 22) of the KDM6B gene. De novo predicted loss-of-function variants in exon 10 as well as in exons upstream and downstream of exon 10 have been reported in affected individuals [PMID: 31124279]. The variant is absent from the gnomAD(v3) database indicating it is an extremely rare allele in the general population. Based on the available evidence, the de novo p.Cys382Ter stop-gained variant identified in the KDM6B gene is assessed as Pathogenic.